The following is an entry in ClinVar:

NM_181486.4(TBX5):c.1234G>A (p.Val412Ile)

Gene: TBX5 (T-box transcription factor 5; minus strand). Cytogenetic location: 12q24.21.
Variant type: single nucleotide variant.
Coding change: c.1234G>A on transcript NM_181486.4 (MANE Select); coding-DNA position 1234, G replaced by A.
Protein change: p.Val412Ile; replaces valine 412 with isoleucine.
Molecular consequence: missense variant.
Genome position (GRCh38, 1-based): chr12:114,355,855, C>T on the plus strand (G>A on the coding strand, the complement: TBX5 is on the minus strand). VCF-style: chr12-114355855-C-T. GRCh37 (hg19) VCF-style: chr12-114793660-C-T.
Other names: c.1234G>A, p.Val412Ile (NM_000192.3); c.1084G>A, p.Val362Ile (NM_080717.4); c.1234G>A (NM_181486.2); short protein forms V412I, V362I.
Identifiers: ClinVar variation 495729 (VCV000495729.18), dbSNP rs114124210, ClinGen allele CA6809375.

ClinVar aggregate classification (germline): Benign/Likely benign. Review status: criteria provided, multiple submitters, no conflicts (2 of 4 stars). 7 submissions from 7 submitters: Benign (4); Likely benign (3). Last evaluated 2025-12-25.

Conditions:
Cardiovascular phenotype. Identifiers: MedGen CN230736.
Aortic valve disease 2 (AOVD2). Identifiers: MedGen C3542024, MONDO:0013902, OMIM 614823.

Allele frequency attached by ClinVar (database versions not stated): TOPMed 0.00311; 1000 Genomes Project 0.00319; ESP Exome Variant Server 0.00323; 1000 Genomes Project 30x 0.00390; gnomAD 0.00286 and 0.00301.
gnomAD v4.1: 835 of 1,613,800 alleles (0.052%); highest among the groups gnomAD compares: African/African-American, 0.95%; 2 homozygotes.

Submissions (7):

Labcorp Genetics (formerly Invitae), Labcorp
Classification: Benign for Aortic valve disease 2. Last evaluated: 2025-12-25. Review status: criteria provided, single submitter. Criteria: Invitae Variant Classification Sherloc (09022015). Collection method: clinical testing. Allele origin: germline.

Molecular Diagnostic Laboratory for Inherited Cardiovascular Disease, Montreal Heart Institute
Classification: Benign. Last evaluated: 2025-04-09. Review status: criteria provided, single submitter. Criteria: ACMG Guidelines, 2015. Collection method: clinical testing. Allele origin: germline. Affected: no.
Comment: BS1;BP4;BP6

Blueprint Genetics
Classification: Likely benign. Last evaluated: 2024-10-17. Review status: criteria provided, single submitter. Criteria: ACMG Guidelines, 2015. Collection method: clinical testing. Allele origin: germline.

Ambry Genetics
Classification: Likely benign for Cardiovascular phenotype. Last evaluated: 2018-12-19. Review status: criteria provided, single submitter. Criteria: Ambry Variant Classification Scheme 2023. Collection method: clinical testing. Allele origin: germline.

GeneDx
Classification: Benign. Last evaluated: 2017-06-01. Review status: criteria provided, single submitter. Criteria: GeneDx Variant Classification (06012015). Collection method: clinical testing. Allele origin: germline. Affected: yes.
Comment: This variant is considered likely benign or benign based on one or more of the following criteria: it is a conservative change, it occurs at a poorly conserved position in the protein, it is predicted to be benign by multiple in silico algorithms, and/or has population frequency not consistent with disease.

Women's Health and Genetics/Laboratory Corporation of America, LabCorp
Classification: Benign. Last evaluated: 2017-03-27. Review status: criteria provided, single submitter. Criteria: LabCorp Variant Classification Summary - May 2015. Collection method: clinical testing. Allele origin: germline.
Comment: Variant summary: The c.1234G>A (p.Val412Ile) in TBX5 gene is a missense change that involves a conserved nucleotide and 2/4 in silico tools predict deleterious outcome. The variant is located outside of any known functional domain and no functional studies confirming deleterious effect of this change have been reported at the time of evaluation. The variant is present in the control population dataset of ExAC at a frequency of 0.0009702 (117/ 120590 chrs tested), predominantly in individuals of African descent (0.01025; 105/ 120590 chrs tested, including 2 homozygotes. The observed frequency exceed the maximum expected allele frequency for a pathogenic variant of 0.0000013. The variant is present in a control population dataset of gnomAD at a frequency of 0.0009577 (265/276692 chrs), mainly in individuals of African origin: 0.009912 (238/24012 chrs, including 2 homozygotes). This data suggest that the variant of interest may be an ethnic-specific functional polymorphism. The variant has not, to our knowledge, been reported in affected individuals via published reports or cited by reputable databases/clinical laboratories. Taking together, the variant was classified as Benign.

Breakthrough Genomics
Classification: Likely benign. Review status: criteria provided, single submitter. Criteria: ACMG Guidelines, 2015. Collection method: not provided. Allele origin: germline. Inheritance: Autosomal dominant inheritance. Affected: yes.